The following is an entry in ClinVar:

NM_006059.4(LAMC3):c.3897G>C (p.Ala1299=)

Gene: LAMC3 (laminin subunit gamma 3; plus strand). Cytogenetic location: 9q34.12.
Variant type: single nucleotide variant.
Coding change: c.3897G>C on transcript NM_006059.4 (MANE Select); coding-DNA position 3897, G replaced by C.
Protein change: p.Ala1299=; no amino-acid change (alanine 1299 retained).
Molecular consequence: synonymous variant.
Genome position (GRCh38, 1-based): chr9:131,079,268, G>C. VCF-style: chr9-131079268-G-C. GRCh37 (hg19) VCF-style: chr9-133954655-G-C.
Identifiers: ClinVar variation 514931 (VCV000514931.1), dbSNP rs539911303, ClinGen allele CA467400885.
Genomic context (GRCh38, chr9:131,079,268, plus strand): 5'-TGCATCATGGCAGCACATGGCCACTGAGGCTGCCCGAACCCTCCAGACTGCTGCCCAGGC[G>C]ACGCTACGGCAAACAGAACCCCTCACAAAGGTCAGCTCTTGTGCTTTGAAGCAGGGGACC-3'
Protein context (NP_006050.3, residues 1289-1309): AARTLQTAAQ[Ala1299=]TLRQTEPLTK

ClinVar aggregate classification (germline): Likely benign (1 of 4 stars; one submission).

Submission:

GeneDx
Classification: Likely benign. Last evaluated: 2018-01-17. Review status: criteria provided, single submitter. Criteria: GeneDx Variant Classification (06012015). Collection method: clinical testing. Allele origin: germline. Affected: yes.
Comment: This variant is considered likely benign or benign based on one or more of the following criteria: it is a conservative change, it occurs at a poorly conserved position in the protein, it is predicted to be benign by multiple in silico algorithms, and/or has population frequency not consistent with disease.